The following is an entry in ClinVar:

ClinVar aggregate classification (germline): Uncertain significance (1 of 4 stars; one submission).

Conditions:
ASH1L-related disorder. Also called: ASH1L-related condition.

Allele frequency attached by ClinVar (database versions not stated): TOPMed below 0.00001.

Submission:

PreventionGenetics, part of Exact Sciences
Classification: Uncertain significance for ASH1L-related condition. Last evaluated: 2022-11-27. Review status: criteria provided, single submitter. Criteria: ACMG Guidelines, 2015. Collection method: clinical testing. Allele origin: germline.
Comment: The ASH1L c.7159T>G variant is predicted to result in the amino acid substitution p.Ser2387Ala. To our knowledge, this variant has not been reported in the literature or in a large population database, indicating this variant is rare. At this time, the clinical significance of this variant is uncertain due to the absence of conclusive functional and genetic evidence.

NM_018489.3(ASH1L):c.7159T>G (p.Ser2387Ala)

Gene: ASH1L (ASH1 like histone lysine methyltransferase; minus strand). Cytogenetic location: 1q22.
Variant type: single nucleotide variant.
Coding change: c.7159T>G on transcript NM_018489.3 (MANE Select); coding-DNA position 7159, T replaced by G.
Protein change: p.Ser2387Ala; replaces serine 2387 with alanine.
Molecular consequence: missense variant.
Genome position (GRCh38, 1-based): chr1:155,354,527, A>C on the plus strand (T>G on the coding strand, the complement: ASH1L is on the minus strand). VCF-style: chr1-155354527-A-C. GRCh37 (hg19) VCF-style: chr1-155324318-A-C.
Other names: c.7174T>G, p.Ser2392Ala (NM_001366177.2); short protein forms S2387A, S2392A.
Identifiers: ClinVar variation 2635398 (VCV002635398.1), dbSNP rs1654200148, ClinGen allele CA342747693.